The following is an entry in ClinVar:

ClinVar aggregate classification (germline): Uncertain significance (1 of 4 stars; one submission).

Conditions:
CHARGE syndrome (CHARGE). Also called: Hittner Hirsch Kreh syndrome; CHARGE ASSOCIATION--COLOBOMA, HEART ANOMALY, CHOANAL ATRESIA, RETARDATION, GENITAL AND EAR ANOMALIES; Coloboma, heart anomaly, choanal atresia, retardation, genital and ear anomalies; CHARGE association; Hall-Hittner syndrome. Identifiers: Orphanet 138, MedGen C0265354, MONDO:0008965.

gnomAD v4.1: 1 of 1,613,908 alleles (0.000062%); highest among the groups gnomAD compares: Non-Finnish European, 0.000085%; no homozygotes.

Submission:

Labcorp Genetics (formerly Invitae), Labcorp
Classification: Uncertain significance for CHARGE syndrome. Last evaluated: 2021-05-28. Review status: criteria provided, single submitter. Criteria: Invitae Variant Classification Sherloc (09022015). Collection method: clinical testing. Allele origin: germline.
Comment: In summary, the available evidence is currently insufficient to determine the role of this variant in disease. Therefore, it has been classified as a Variant of Uncertain Significance. Advanced modeling of protein sequence and biophysical properties (such as structural, functional, and spatial information, amino acid conservation, physicochemical variation, residue mobility, and thermodynamic stability) performed at Invitae indicates that this missense variant is not expected to disrupt CHD7 protein function. This variant has not been reported in the literature in individuals with CHD7-related conditions. This variant is not present in population databases (ExAC no frequency). This sequence change replaces threonine with alanine at codon 2054 of the CHD7 protein (p.Thr2054Ala). The threonine residue is highly conserved and there is a small physicochemical difference between threonine and alanine.

NM_017780.4(CHD7):c.6160A>G (p.Thr2054Ala)

Gene: CHD7 (chromodomain helicase DNA binding protein 7; plus strand). Cytogenetic location: 8q12.2.
Variant type: single nucleotide variant.
Coding change: c.6160A>G on transcript NM_017780.4 (MANE Select); coding-DNA position 6160, A replaced by G.
Protein change: p.Thr2054Ala; replaces threonine 2054 with alanine.
Molecular consequence: missense variant. On other transcripts: intron variant (1).
Genome position (GRCh38, 1-based): chr8:60,852,885, A>G. VCF-style: chr8-60852885-A-G. GRCh37 (hg19) VCF-style: chr8-61765444-A-G.
Other names: c.1717-9344A>G (NM_001316690.1); short protein forms T2054A.
Identifiers: ClinVar variation 1346340 (VCV001346340.8), dbSNP rs2150809564, ClinGen allele CA371324347.